The following is an entry in ClinVar:

ClinVar aggregate classification (germline): Pathogenic (3 of 4 stars; one submission).

Conditions:
Breast-ovarian cancer, familial, susceptibility to, 2 (BROVCA2). Also called: BRCA2 Hereditary Breast and Ovarian Cancer. Identifiers: Orphanet 145, MedGen C2675520, MONDO:0012933, OMIM 612555. Disease mechanism: loss of function.

Submission:

Evidence-based Network for the Interpretation of Germline Mutant Alleles (ENIGMA)
Classification: Pathogenic for Breast-ovarian cancer, familial, susceptibility to, 2. Last evaluated: 2016-10-18. Review status: reviewed by expert panel. Criteria: ENIGMA BRCA1/2 Classification Criteria (2015). Collection method: curation. Allele origin: germline.
Comment: Variant allele predicted to encode a truncated non-functional protein.

NM_000059.4(BRCA2):c.3170del (p.Lys1057fs)

Gene: BRCA2 (BRCA2 DNA repair associated; plus strand). Cytogenetic location: 13q13.1.
Variant type: Deletion.
Coding change: c.3170del on transcript NM_000059.4 (MANE Select); coding-DNA position 3170, one base deleted (A; older notation c.3170delA).
Protein change: p.Lys1057fs; shifts the reading frame from lysine 1057.
Molecular consequence: frameshift variant.
Genome position (GRCh38, 1-based): chr13:32,337,525, A deleted; the last of 4 consecutive A bases (chr13:32,337,522-32,337,525); deleting any one gives the same sequence. VCF-style (leftmost placement, unchanged base first): chr13-32337521-CA-C. GRCh37 (hg19) VCF-style: chr13-32911658-CA-C.
Other names: 3398delA; short protein forms K1057fs.
Identifiers: ClinVar variation 266737 (VCV000266737.3), dbSNP rs756083696, ClinGen allele CA10589189.